The following is an entry in ClinVar:

NM_001283009.2(RTEL1):c.1119C>G (p.Ile373Met)

Genes: RTEL1 (regulator of telomere elongation helicase 1; plus strand), RTEL1-TNFRSF6B (RTEL1-TNFRSF6B readthrough (NMD candidate); plus strand). Cytogenetic location: 20q13.33.
Variant type: single nucleotide variant.
Coding change: c.1119C>G on transcript NM_001283009.2 (MANE Select); coding-DNA position 1119, C replaced by G.
Protein change: p.Ile373Met; replaces isoleucine 373 with methionine.
Molecular consequence: missense variant. On other transcripts: non-coding transcript variant (1).
Genome position (GRCh38, 1-based): chr20:63,679,930, C>G. VCF-style: chr20-63679930-C-G. GRCh37 (hg19) VCF-style: chr20-62311283-C-G.
Other names: c.450C>G, p.Ile150Met (NM_001283010.1); c.1119C>G, p.Ile373Met (NM_016434.4); c.1191C>G, p.Ile397Met (NM_032957.5); short protein forms I373M, I397M, I150M.
Identifiers: ClinVar variation 4157722 (VCV004157722.1).
Genomic context (GRCh38, chr20:63,679,930, plus strand): 5'-TGAAGCCCAGATCACGTTTCAGACCAAGGGCTGCATCCTGGACTCGCTGGACCAGATCAT[C>G]CAGCACCTGGCAGGACGTGAGTGCTGGCACGGGGTCTTTGGTGCGGGCAAATGTGGCGTA-3'
Protein context (NP_001269938.1, residues 363-383): GCILDSLDQI[Ile373Met]QHLAGRAGVF

ClinVar aggregate classification (germline): Uncertain significance (1 of 4 stars; one submission).

Conditions:
Inborn genetic diseases. Identifiers: MedGen C0950123, MeSH D030342.

Submission:

Ambry Genetics
Classification: Uncertain significance for Inborn genetic diseases. Last evaluated: 2025-09-01. Review status: criteria provided, single submitter. Criteria: Ambry Variant Classification Scheme 2023. Collection method: clinical testing. Allele origin: germline.
Comment: The p.I373M variant (also known as c.1119C>G), located in coding exon 12 of the RTEL1 gene, results from a C to G substitution at nucleotide position 1119. The isoleucine at codon 373 is replaced by methionine, an amino acid with highly similar properties. This amino acid position is conserved. In addition, this alteration is predicted to be tolerated by in silico analysis. Based on the available evidence, the clinical significance of this variant remains unclear.